The following is an entry in ClinVar:

NM_017777.4(MKS1):c.1597C>T (p.Arg533Cys)

Gene: MKS1 (MKS transition zone complex subunit 1; minus strand). Cytogenetic location: 17q22.
Variant type: single nucleotide variant.
Coding change: c.1597C>T on transcript NM_017777.4 (MANE Select); coding-DNA position 1597, C replaced by T.
Protein change: p.Arg533Cys; replaces arginine 533 with cysteine.
Molecular consequence: missense variant. On other transcripts: 3 prime UTR variant (1).
Genome position (GRCh38, 1-based): chr17:58,206,162, G>A on the plus strand (C>T on the coding strand, the complement: MKS1 is on the minus strand). VCF-style: chr17-58206162-G-A. GRCh37 (hg19) VCF-style: chr17-56283523-G-A.
Other names: c.988C>T, p.Arg330Cys (NM_001321268.2); c.1514C>T, p.Pro505Leu (NM_001321269.2); c.*9C>T (NM_001330397.2); c.1597C>T (NM_017777.3); short protein forms R533C, P505L, R330C.
Identifiers: ClinVar variation 593886 (VCV000593886.12), dbSNP rs745946583, ClinGen allele CA8669066.

ClinVar aggregate classification (germline): Uncertain significance. Review status: criteria provided, multiple submitters, no conflicts (2 of 4 stars). 4 submissions from 4 submitters: Uncertain significance (4). Last evaluated 2026-05-21.

Conditions:
MKS1-related disorder. Also called: MKS1-related disorders; MKS1-related condition. Identifiers: MedGen CN239382.
Meckel-Gruber syndrome. Also called: DYSENCEPHALIA SPLANCHNOCYSTICA; GRUBER SYNDROME; Dysencephalia splachnocystica. Identifiers: Orphanet 564, MedGen C0265215, MONDO:0018921.
Joubert syndrome. Also called: Familial aplasia of the vermis; JOUBERT-BOLTSHAUSER SYNDROME. Identifiers: Orphanet 475, MedGen C5979921, MONDO:0018772.
Meckel syndrome, type 1 (MKS1). Also called: MECKEL-GRUBER SYNDROME, TYPE 1. Identifiers: Orphanet 564, MedGen C3714506, MONDO:0009571, OMIM 249000.
Joubert syndrome 28 (JBTS28). Identifiers: MedGen C4310705, MONDO:0014928, OMIM 617121.
Bardet-Biedl syndrome 13 (BBS13). Identifiers: Orphanet 110, MedGen C2673873, MONDO:0014441, OMIM 615990.

Allele frequency attached by ClinVar (database versions not stated): TOPMed 0.00006; gnomAD exomes 0.00008; ExAC 0.00009; gnomAD 0.00009 and 0.00011.

Submissions (4):

PreventionGenetics, part of Exact Sciences
Classification: Uncertain significance for MKS1-related condition. Last evaluated: 2026-05-21. Review status: criteria provided, single submitter. Criteria: ACMG Guidelines, 2015. Collection method: clinical testing. Allele origin: germline.
Comment: The MKS1 c.1597C>T variant is predicted to result in the amino acid substitution p.Arg533Cys. To our knowledge, this variant has not been reported in the literature. This variant is reported in 0.13% of alleles in individuals of Ashkenazi Jewish descent in gnomAD. Although we suspect that this variant may be benign, at this time, the clinical significance of this variant is uncertain due to the absence of conclusive functional and genetic evidence.

Fulgent Genetics
Classification: Uncertain significance for Meckel syndrome, type 1; Bardet-Biedl syndrome 13; Joubert syndrome 28. Last evaluated: 2024-03-01. Review status: criteria provided, single submitter. Criteria: ACMG Guidelines, 2015. Collection method: clinical testing. Allele origin: germline.

Labcorp Genetics (formerly Invitae), Labcorp
Classification: Uncertain significance for Joubert syndrome; Meckel-Gruber syndrome. Last evaluated: 2021-09-24. Review status: criteria provided, single submitter. Criteria: Invitae Variant Classification Sherloc (09022015). Collection method: clinical testing. Allele origin: germline.
Comment: This sequence change replaces arginine with cysteine at codon 533 of the MKS1 protein (p.Arg533Cys). The arginine residue is moderately conserved and there is a large physicochemical difference between arginine and cysteine. This variant is present in population databases (rs745946583, ExAC 0.03%), including at least one homozygous and/or hemizygous individual. This variant has not been reported in the literature in individuals affected with MKS1-related conditions. ClinVar contains an entry for this variant (Variation ID: 593886). Algorithms developed to predict the effect of missense changes on protein structure and function are either unavailable or do not agree on the potential impact of this missense change (SIFT: "Deleterious"; PolyPhen-2: "Possibly Damaging"; Align-GVGD: "Class C0"). In summary, the available evidence is currently insufficient to determine the role of this variant in disease. Therefore, it has been classified as a Variant of Uncertain Significance.

Eurofins Ntd Llc (ga)
Classification: Uncertain significance. Last evaluated: 2017-09-19. Review status: criteria provided, single submitter. Criteria: EGL Classification Definitions 2015. Collection method: clinical testing. Allele origin: germline. Observed: 1 variant allele, 1 heterozygote.